The following is an entry in ClinVar:

ClinVar aggregate classification (germline): Uncertain significance (1 of 4 stars; one submission).

Submission:

Labcorp Genetics (formerly Invitae), Labcorp
Classification: Uncertain significance. Last evaluated: 2024-06-03. Review status: criteria provided, single submitter. Criteria: Invitae Variant Classification Sherloc (09022015). Collection method: clinical testing. Allele origin: germline.
Comment: This variant, c.6849_6851del, results in the deletion of 1 amino acid(s) of the WDR87 protein (p.Glu2286del), but otherwise preserves the integrity of the reading frame. The frequency data for this variant in the population databases is considered unreliable, as metrics indicate poor data quality at this position in the gnomAD database. This variant has not been reported in the literature in individuals affected with WDR87-related conditions. Experimental studies and prediction algorithms are not available or were not evaluated, and the functional significance of this variant is currently unknown. In summary, the available evidence is currently insufficient to determine the role of this variant in disease. Therefore, it has been classified as a Variant of Uncertain Significance.

NM_001291088.2(WDR87):c.6963AGA[1] (p.Glu2325del)

Gene: WDR87 (WD repeat domain 87; minus strand). Cytogenetic location: 19q13.13.
Variant type: Microsatellite.
Coding change: c.6963AGA[1] on transcript NM_001291088.2 (MANE Select); one copy of the 3-base unit AGA starting at c.6963; the reference has two copies in a row; one copy, 3 bases deleted.
Protein change: p.Glu2325del; deletes glutamic acid 2325.
Molecular consequence: inframe deletion.
Genome position (GRCh38, 1-based): chr19:37,886,703-37,886,705, TCT deleted on the plus strand (AGA on the coding strand, the reverse complement: WDR87 is on the minus strand); deleting any 3 consecutive bases within chr19:37,886,703-37,886,709 gives the same sequence; the position shown is the placement nearest the transcript's 3' end. VCF-style (leftmost placement, unchanged base first): chr19-37886702-CTCT-C. GRCh37 (hg19) VCF-style: chr19-38377342-CTCT-C.
Other names: c.6846AGA[1], p.Glu2286del (NM_031951.5); short protein forms E2325del, E2286del.
Identifiers: ClinVar variation 1355170 (VCV001355170.6), dbSNP rs771292355, ClinGen allele CA9408459.